The following is an entry in ClinVar:

NM_000245.4(MET):c.2394A>G (p.Ile798Met)

Gene: MET (MET proto-oncogene, receptor tyrosine kinase; plus strand). Cytogenetic location: 7q31.2.
Variant type: single nucleotide variant.
Coding change: c.2394A>G on transcript NM_000245.4 (MANE Select); coding-DNA position 2394, A replaced by G.
Protein change: p.Ile798Met; replaces isoleucine 798 with methionine.
Molecular consequence: missense variant.
Genome position (GRCh38, 1-based): chr7:116,763,079, A>G. VCF-style: chr7-116763079-A-G. GRCh37 (hg19) VCF-style: chr7-116403133-A-G.
Other names: c.2448A>G, p.Ile816Met (NM_001127500.3); c.2394A>G, p.Ile798Met (NM_001324401.3); c.1104A>G, p.Ile368Met (NM_001324402.2); short protein forms I368M, I798M, I816M.
Identifiers: ClinVar variation 2771076 (VCV002771076.3), dbSNP rs2116954116, ClinGen allele CA368982969.

ClinVar aggregate classification (germline): Uncertain significance (1 of 4 stars; one submission).

Conditions:
Renal cell carcinoma. Identifiers: Orphanet 217071, MedGen C0007134, MeSH D002292, MONDO:0005086, HP:0005584.

Submission:

Labcorp Genetics (formerly Invitae), Labcorp
Classification: Uncertain significance for Renal cell carcinoma. Last evaluated: 2023-05-19. Review status: criteria provided, single submitter. Criteria: Invitae Variant Classification Sherloc (09022015). Collection method: clinical testing. Allele origin: germline.
Comment: This variant has not been reported in the literature in individuals affected with MET-related conditions. In summary, the available evidence is currently insufficient to determine the role of this variant in disease. Therefore, it has been classified as a Variant of Uncertain Significance. Advanced modeling of protein sequence and biophysical properties (such as structural, functional, and spatial information, amino acid conservation, physicochemical variation, residue mobility, and thermodynamic stability) performed at Invitae indicates that this missense variant is not expected to disrupt MET protein function. This variant is not present in population databases (gnomAD no frequency). This sequence change replaces isoleucine, which is neutral and non-polar, with methionine, which is neutral and non-polar, at codon 816 of the MET protein (p.Ile816Met).